The following is an entry in ClinVar:

NM_022437.3(ABCG8):c.1340A>G (p.Asp447Gly)

Gene: ABCG8 (ATP binding cassette subfamily G member 8; plus strand). Cytogenetic location: 2p21.
Variant type: single nucleotide variant.
Coding change: c.1340A>G on transcript NM_022437.3 (MANE Select); coding-DNA position 1340, A replaced by G.
Protein change: p.Asp447Gly; replaces aspartic acid 447 with glycine.
Molecular consequence: missense variant.
Genome position (GRCh38, 1-based): chr2:43,873,915, A>G. VCF-style: chr2-43873915-A-G. GRCh37 (hg19) VCF-style: chr2-44101054-A-G.
Other names: c.1337A>G, p.Asp446Gly (NM_001357321.2); short protein forms D446G, D447G.
Identifiers: ClinVar variation 1367473 (VCV001367473.8), dbSNP rs989938038, ClinGen allele CA346669482.
Genomic context (GRCh38, chr2:43,873,915, plus strand): 5'-TGTCAATGACCATCGGCTTCCTCTATTTTGGCCATGGGAGCATCCAGCTCTCCTTCATGG[A>G]TACAGCCGCCCTCTTGTTCATGATCGGTGCTCTCATCCCTTTCAACGTCATTCTGGATGT-3'
Protein context (NP_071882.1, residues 437-457): GHGSIQLSFM[Asp447Gly]TAALLFMIGA

ClinVar aggregate classification (germline): Uncertain significance (1 of 4 stars; one submission).

Submission:

Labcorp Genetics (formerly Invitae), Labcorp
Classification: Uncertain significance. Last evaluated: 2021-02-10. Review status: criteria provided, single submitter. Criteria: Invitae Variant Classification Sherloc (09022015). Collection method: clinical testing. Allele origin: germline.
Comment: In summary, the available evidence is currently insufficient to determine the role of this variant in disease. Therefore, it has been classified as a Variant of Uncertain Significance. Algorithms developed to predict the effect of sequence changes on RNA splicing suggest that this variant may create or strengthen a splice site, but this prediction has not been confirmed by published transcriptional studies. Algorithms developed to predict the effect of missense changes on protein structure and function (SIFT, PolyPhen-2, Align-GVGD) all suggest that this variant is likely to be disruptive, but these predictions have not been confirmed by published functional studies and their clinical significance is uncertain. This variant has not been reported in the literature in individuals with ABCG8-related conditions. This variant is not present in population databases (ExAC no frequency). This sequence change replaces aspartic acid with glycine at codon 447 of the ABCG8 protein (p.Asp447Gly). The aspartic acid residue is highly conserved and there is a moderate physicochemical difference between aspartic acid and glycine.